The following is an entry in ClinVar:

ClinVar aggregate classification (germline): Uncertain significance. Review status: criteria provided, multiple submitters, no conflicts (2 of 4 stars). 2 submissions from 2 submitters: Uncertain significance (2). Last evaluated 2024-03-25.

Conditions:
Inborn genetic diseases. Identifiers: MedGen C0950123, MeSH D030342.

Allele frequency attached by ClinVar (database versions not stated): gnomAD exomes below 0.00001; gnomAD 0.00001; TOPMed 0.00001.
gnomAD v4.1: 2 of 1,613,750 alleles (0.00012%); highest among the groups gnomAD compares: Non-Finnish European, 0.00017%; no homozygotes.

Submissions (2):

Ambry Genetics
Classification: Uncertain significance for Inborn genetic diseases. Last evaluated: 2024-03-25. Review status: criteria provided, single submitter. Criteria: Ambry Variant Classification Scheme 2023. Collection method: clinical testing. Allele origin: germline.

Labcorp Genetics (formerly Invitae), Labcorp
Classification: Uncertain significance. Last evaluated: 2023-06-23. Review status: criteria provided, single submitter. Criteria: Invitae Variant Classification Sherloc (09022015). Collection method: clinical testing. Allele origin: germline.
Comment: This sequence change replaces glycine, which is neutral and non-polar, with aspartic acid, which is acidic and polar, at codon 331 of the ACO2 protein (p.Gly331Asp). This variant is not present in population databases (gnomAD no frequency). This variant has not been reported in the literature in individuals affected with ACO2-related conditions. Advanced modeling of protein sequence and biophysical properties (such as structural, functional, and spatial information, amino acid conservation, physicochemical variation, residue mobility, and thermodynamic stability) performed at Invitae indicates that this missense variant is not expected to disrupt ACO2 protein function. In summary, the available evidence is currently insufficient to determine the role of this variant in disease. Therefore, it has been classified as a Variant of Uncertain Significance.

NM_001098.3(ACO2):c.992G>A (p.Gly331Asp)

Gene: ACO2 (aconitase 2; plus strand). Cytogenetic location: 22q13.2.
Variant type: single nucleotide variant.
Coding change: c.992G>A on transcript NM_001098.3 (MANE Select); coding-DNA position 992, G replaced by A.
Protein change: p.Gly331Asp; replaces glycine 331 with aspartic acid.
Molecular consequence: missense variant.
Genome position (GRCh38, 1-based): chr22:41,518,532, G>A. VCF-style: chr22-41518532-G-A. GRCh37 (hg19) VCF-style: chr22-41914536-G-A.
Other names: c.992G>A (NM_001098.2); short protein forms G331D.
Identifiers: ClinVar variation 2880887 (VCV002880887.4), dbSNP rs975578359, ClinGen allele CA324571460.